The following is an entry in ClinVar:

NM_000507.4(FBP1):c.619G>C (p.Gly207Arg)

Gene: FBP1 (fructose-bisphosphatase 1; minus strand). Cytogenetic location: 9q22.32.
Variant type: single nucleotide variant.
Coding change: c.619G>C on transcript NM_000507.4 (MANE Select); coding-DNA position 619, G replaced by C.
Protein change: p.Gly207Arg; replaces glycine 207 with arginine.
Molecular consequence: missense variant.
Genome position (GRCh38, 1-based): chr9:94,606,901, C>G on the plus strand (G>C on the coding strand, the complement: FBP1 is on the minus strand). VCF-style: chr9-94606901-C-G. GRCh37 (hg19) VCF-style: chr9-97369183-C-G.
Other names: c.619G>C, p.Gly207Arg (NM_001127628.2); short protein forms G207R.
Identifiers: ClinVar variation 954967 (VCV000954967.5), dbSNP rs766175621, ClinGen allele CA5136176.
Genomic context (GRCh38, chr9:94,606,901, plus strand): 5'-ACTCAGTGACGGCAGGGTCAAAGTCCCTGGCGTAGCCCTCGTTAAGGCTGTAGATTTTAC[C>G]TTTCTTTTTTATCTTCACATCCTTGTCCACCAAAATGAACTCCCCGATGGCCTTTTTAGA-3'
Protein context (NP_000498.2, residues 197-217): VDKDVKIKKK[Gly207Arg]KIYSLNEGYA

ClinVar aggregate classification (germline): Uncertain significance. Review status: criteria provided, multiple submitters, no conflicts (2 of 4 stars). 3 submissions from 3 submitters: Uncertain significance (3). Last evaluated 2024-04-18.

Conditions:
Fructose-biphosphatase deficiency (FBP1D). Also called: Fructose 1,6 Bisphosphatase Deficiency; Fructose-1,6-Bisphosphatase 1 Deficiency; Fructose-1,6-Diphosphatase Deficiency. Identifiers: Orphanet 348, MedGen C0016756, MONDO:0009251, OMIM 229700.

Allele frequency attached by ClinVar (database versions not stated): ExAC 0.00010; TOPMed 0.00014; gnomAD exomes 0.00007 and 0.00010; gnomAD 0.00012.
gnomAD v4.1: 126 of 1,613,960 alleles (0.0078%); highest among the groups gnomAD compares: Admixed American, 0.037%; no homozygotes.

Submissions (3):

Women's Health and Genetics/Laboratory Corporation of America, LabCorp
Classification: Uncertain significance. Last evaluated: 2024-04-18. Review status: criteria provided, single submitter. Criteria: LabCorp Variant Classification Summary - May 2015. Collection method: clinical testing. Allele origin: germline.
Comment: Variant summary: FBP1 c.619G>C (p.Gly207Arg) results in a non-conservative amino acid change located in the Fructose-1-6-bisphosphatase class 1, C-terminal domain (IPR044015) of the encoded protein sequence. Four of five in-silico tools predict a damaging effect of the variant on protein function. The variant allele was found at a frequency of 9.9e-05 in 251442 control chromosomes. This frequency does not allow conclusions about variant significance. c.619G>C has been reported in the literature in at-least one individual affected with Fructose-biphosphatase deficiency (example, Santer_2016). These data do not allow any conclusion about variant significance. At least one publication reports experimental evidence evaluating an impact on protein function (Sakuma_2023). These results showed no damaging effect of this variant. The following publications have been ascertained in the context of this evaluation (PMID: 37507476, 27101822). ClinVar contains an entry for this variant (Variation ID: 954967). Based on the evidence outlined above, the variant was classified as uncertain significance.

Department of Pathology and Laboratory Medicine, Sinai Health System
Classification: Uncertain significance for Fructose-biphosphatase deficiency. Last evaluated: 2023-08-01. Review status: criteria provided, single submitter. Criteria: ACMG Guidelines, 2015. Collection method: research. Allele origin: germline.

Labcorp Genetics (formerly Invitae), Labcorp
Classification: Uncertain significance for Fructose-biphosphatase deficiency. Last evaluated: 2022-05-29. Review status: criteria provided, single submitter. Criteria: Invitae Variant Classification Sherloc (09022015). Collection method: clinical testing. Allele origin: germline.
Comment: This sequence change replaces glycine, which is neutral and non-polar, with arginine, which is basic and polar, at codon 207 of the FBP1 protein (p.Gly207Arg). This variant is present in population databases (rs766175621, gnomAD 0.03%). This missense change has been observed in individual(s) with fructose-1,6-bisphosphatase deficiency (PMID: 27101822). ClinVar contains an entry for this variant (Variation ID: 954967). Advanced modeling of protein sequence and biophysical properties (such as structural, functional, and spatial information, amino acid conservation, physicochemical variation, residue mobility, and thermodynamic stability) performed at Invitae indicates that this missense variant is expected to disrupt FBP1 protein function. In summary, the available evidence is currently insufficient to determine the role of this variant in disease. Therefore, it has been classified as a Variant of Uncertain Significance.

Literature cited by the submitters: PubMed 37507476 (cited by Women's Health and Genetics/Laboratory Corporation of America, LabCorp); PubMed 27101822 (cited by Women's Health and Genetics/Laboratory Corporation of America, LabCorp and Labcorp Genetics (formerly Invitae), Labcorp).